The following is an entry in ClinVar:

ClinVar aggregate classification (germline): Benign (1 of 4 stars; one submission).

Allele frequency attached by ClinVar (database versions not stated): ExAC 0.00024; 1000 Genomes Project 30x 0.00031; 1000 Genomes Project 0.00040; ESP Exome Variant Server 0.00069; gnomAD exomes 0.00008; gnomAD 0.00069; TOPMed 0.00071.

Submission:

CeGaT Center for Human Genetics Tuebingen
Classification: Benign. Last evaluated: 2025-02-01. Review status: criteria provided, single submitter. Criteria: CeGaT Center For Human Genetics Tuebingen Variant Classification Criteria Version 2. Collection method: clinical testing. Allele origin: germline. Affected: yes. Observed: 2 variant alleles.
Comment: KRT6A: BS1, BS2

NM_005554.4(KRT6A):c.363C>T (p.Gly121=)

Gene: KRT6A (keratin 6A; minus strand). Cytogenetic location: 12q13.13.
Variant type: single nucleotide variant.
Coding change: c.363C>T on transcript NM_005554.4 (MANE Select); coding-DNA position 363, C replaced by T.
Protein change: p.Gly121=; no amino-acid change (glycine 121 retained).
Molecular consequence: synonymous variant.
Genome position (GRCh38, 1-based): chr12:52,492,826, G>A on the plus strand (C>T on the coding strand, the complement: KRT6A is on the minus strand). VCF-style: chr12-52492826-G-A. GRCh37 (hg19) VCF-style: chr12-52886610-G-A.
Identifiers: ClinVar variation 2643028 (VCV002643028.24), dbSNP rs370840968, ClinGen allele CA6582292.
Genomic context (GRCh38, chr12:52,492,826, plus strand): 5'-GTTGACGGTGACCTCTTGGATGCCTCCAGGGGGGCACACAGGGAAGCCAGGGCCCCCAAA[G>A]CCACCAGCAAGGCCGGCTCCACCACCCAGACCAAAGCCAATGCCGGCTCCACCACCGAAA-3'
Protein context (NP_005545.1, residues 111-131): GLGGGAGLAG[Gly121=]FGGPGFPVCP